The following is an entry in ClinVar:

NM_002471.4(MYH6):c.3981G>A (p.Ala1327=)

Gene: MYH6 (myosin heavy chain 6; minus strand). Cytogenetic location: 14q11.2.
Variant type: single nucleotide variant.
Coding change: c.3981G>A on transcript NM_002471.4 (MANE Select); coding-DNA position 3981, G replaced by A.
Protein change: p.Ala1327=; no amino-acid change (alanine 1327 retained).
Molecular consequence: synonymous variant.
Genome position (GRCh38, 1-based): chr14:23,389,053, C>T on the plus strand (G>A on the coding strand, the complement: MYH6 is on the minus strand). VCF-style: chr14-23389053-C-T. GRCh37 (hg19) VCF-style: chr14-23858262-C-T.
Identifiers: ClinVar variation 1079894 (VCV001079894.10), dbSNP rs904695058, ClinGen allele CA257782532.
Genomic context (GRCh38, chr14:23,389,053, plus strand): 5'-CTCCCGCAGCAGGTCGCAGTCATGCCGGGCCGACTGCAGTGCATGGGCCAGGGCGTTCTT[C>T]GCCTGGGGAGGGGGGGGGGCACCAGGAGGTGGGAGGGACTCCCTGTGCCCCATTCTCTAG-3'
Protein context (NP_002462.2, residues 1317-1337): LKRQLEEEGK[Ala1327=]KNALAHALQS

ClinVar aggregate classification (germline): Conflicting classifications of pathogenicity. Review status: criteria provided, conflicting classifications (1 of 4 stars). 2 submissions from 2 submitters: Uncertain significance (1); Likely benign (1). Last evaluated 2026-01-05.

Conditions:
Hypertrophic cardiomyopathy 14. Identifiers: MedGen C2750467, MONDO:0013197, OMIM 613251.

Allele frequency attached by ClinVar (database versions not stated): gnomAD 0.00001 and 0.00002; gnomAD exomes 0.00001.
gnomAD v4.1: 12 of 1,360,514 alleles (0.00088%); highest among the groups gnomAD compares: African/African-American, 0.0019%; no homozygotes.

Submissions (2):

Women's Health and Genetics/Laboratory Corporation of America, LabCorp
Classification: Uncertain significance. Last evaluated: 2026-01-05. Review status: criteria provided, single submitter. Criteria: LabCorp Variant Classification Summary - May 2015. Collection method: clinical testing. Allele origin: germline.
Comment: Variant summary: MYH6 c.3981G>A (p.Ala1327Ala) alters a conserved nucleotide located close to a canonical splice site and therefore could affect mRNA splicing, leading to a significantly altered protein sequence. Consensus agreement among computation tools predict no significant impact on normal splicing. However, these predictions have yet to be confirmed by functional studies. The variant allele was found at a frequency of 1e-05 in 191212 control chromosomes. The available data on variant occurrences in the general population are insufficient to allow any conclusion about variant significance. To our knowledge, no occurrence of c.3981G>A in individuals affected with MYH6-related conditions and no experimental evidence demonstrating its impact on protein function have been reported. ClinVar contains an entry for this variant (Variation ID: 1079894). Based on the evidence outlined above, the variant was classified as uncertain significance.

Labcorp Genetics (formerly Invitae), Labcorp
Classification: Likely benign for Hypertrophic cardiomyopathy 14. Last evaluated: 2024-07-08. Review status: criteria provided, single submitter. Criteria: Invitae Variant Classification Sherloc (09022015). Collection method: clinical testing. Allele origin: germline.